The following is an entry in ClinVar:

NM_000548.5(TSC2):c.5161-4C>G

Gene: TSC2 (TSC complex subunit 2; plus strand). Cytogenetic location: 16p13.3.
Variant type: single nucleotide variant.
Coding change: c.5161-4C>G on transcript NM_000548.5 (MANE Select); 4 bases into the intron before coding-DNA position 5161, C replaced by G.
Molecular consequence: intron variant.
Genome position (GRCh38, 1-based): chr16:2,088,223, C>G. VCF-style: chr16-2088223-C-G. GRCh37 (hg19) VCF-style: chr16-2138224-C-G.
Other names: c.5092-4C>G (NM_001114382.3); c.5032-4C>G (NM_021055.3); c.5032-16C>G (NM_001370405.1); c.4963-4C>G (NM_001363528.2); c.5029-4C>G (NM_001370404.1); c.4960-4C>G (NM_001077183.3); c.4852-4C>G (NM_001318827.2); c.4429-4C>G (NM_001318831.2); and 2 more.
Identifiers: ClinVar variation 49359 (VCV000049359.36), dbSNP rs45517406, ClinGen allele CA022027.

ClinVar aggregate classification (germline): Benign/Likely benign. Review status: criteria provided, multiple submitters, no conflicts (2 of 4 stars). 12 submissions from 12 submitters: Benign (2); Likely benign (7). 3 of the submissions do not count toward it. Last evaluated 2025-12-28.

Conditions:
Tuberous sclerosis syndrome (TSC). Also called: Tuberous Sclerosis Complex; Tuberous sclerosis. Identifiers: Orphanet 805, MedGen C0041341, MONDO:0001734.
Tuberous sclerosis 2 (TSC2). Identifiers: Orphanet 805, MedGen C1860707, MONDO:0013199, OMIM 613254.
Hereditary cancer-predisposing syndrome. Also called: Neoplastic Syndromes, Hereditary; Tumor predisposition; Hereditary Cancer Syndrome; Hereditary neoplastic syndrome. Identifiers: Orphanet 140162, MedGen C0027672, MeSH D009386, MONDO:0015356.

Allele frequency attached by ClinVar (database versions not stated): gnomAD 0.00003 and 0.00004; gnomAD exomes 0.00003 and 0.00004; TOPMed 0.00006; ESP Exome Variant Server 0.00008; ExAC 0.00001.
gnomAD v4.1: 56 of 1,613,072 alleles (0.0035%); highest among the groups gnomAD compares: Non-Finnish European, 0.0043%; no homozygotes.

Submissions (12):

Labcorp Genetics (formerly Invitae), Labcorp
Classification: Benign for Tuberous sclerosis 2. Last evaluated: 2025-12-28. Review status: criteria provided, single submitter. Criteria: Invitae Variant Classification Sherloc (09022015). Collection method: clinical testing. Allele origin: germline.

Myriad Genetics, Inc.
Classification: Likely benign for Tuberous sclerosis 2. Last evaluated: 2025-06-06. Review status: criteria provided, single submitter. Criteria: Myriad Autosomal Dominant, Autosomal Recessive and X-Linked Classification Criteria (2023). Collection method: clinical testing. Allele origin: unknown.
Comment: This variant is considered likely benign. This variant is intronic and is not expected to impact mRNA splicing. This variant has been observed at a population frequency that is significantly greater than expected given the associated disease prevalence and penetrance.

Laboratory of Genetics, Children's Clinical University Hospital Latvia
Classification: Likely benign. Last evaluated: 2025-02-16. Review status: criteria provided, single submitter. Criteria: ACMG Guidelines, 2015. Collection method: clinical testing. Allele origin: germline. Affected: yes.

Color Diagnostics, LLC DBA Color Health
Classification: Likely benign for Tuberous sclerosis syndrome. Last evaluated: 2024-01-30. Review status: criteria provided, single submitter. Criteria: ACMG Guidelines, 2015. Collection method: clinical testing. Allele origin: germline.

Genome-Nilou Lab
Classification: Benign for Tuberous sclerosis 2. Last evaluated: 2021-11-07. Review status: criteria provided, single submitter. Criteria: ACMG Guidelines, 2015. Collection method: clinical testing. Allele origin: germline. Affected: no.

Sema4
Classification: Likely benign for Hereditary cancer-predisposing syndrome. Last evaluated: 2021-06-16. Review status: criteria provided, single submitter. Criteria: Sema4 Curation Guidelines. Collection method: curation. Allele origin: germline.

Ambry Genetics
Classification: Likely benign for Hereditary cancer-predisposing syndrome. Last evaluated: 2020-09-24. Review status: criteria provided, single submitter. Criteria: Ambry Variant Classification Scheme 2023. Collection method: clinical testing. Allele origin: germline.

GeneDx
Classification: Likely benign. Last evaluated: 2018-12-12. Review status: criteria provided, single submitter. Criteria: GeneDx Variant Classification Process June 2021. Collection method: clinical testing. Allele origin: germline. Affected: yes.

PreventionGenetics, part of Exact Sciences
Classification: Likely benign. Review status: criteria provided, single submitter. Criteria: ACMG Guidelines, 2015. Collection method: clinical testing. Allele origin: germline.

Clinical Genetics DNA and cytogenetics Diagnostics Lab, Erasmus MC, Erasmus Medical Center
Classification: Likely benign. Review status: no assertion criteria provided. Collection method: clinical testing. Allele origin: germline. Affected: yes. Study: VKGL Data-share Consensus. Not counted in ClinVar's aggregate classification.

Clinical Genetics, Academic Medical Center
Classification: Likely benign. Review status: no assertion criteria provided. Collection method: clinical testing. Allele origin: germline. Affected: yes. Study: VKGL Data-share Consensus. Not counted in ClinVar's aggregate classification.

Tuberous sclerosis database (TSC2)
No classification provided. Condition: TSC. Review status: no classification provided. Criteria: Tuberous Sclerosis Database Assertion Criteria 2015. Collection method: curation. Allele origin: germline. Affected: yes. Not counted in ClinVar's aggregate classification.